The following is an entry in ClinVar:

NM_001399.5(EDA):c.1144del (p.Ala382fs)

Gene: EDA (ectodysplasin A; plus strand). Cytogenetic location: Xq13.1.
Variant type: Deletion.
Coding change: c.1144del on transcript NM_001399.5 (MANE Select); coding-DNA position 1144, one base deleted (G; older notation c.1144delG).
Protein change: p.Ala382fs; shifts the reading frame from alanine 382.
Molecular consequence: frameshift variant.
Genome position (GRCh38, 1-based): chrX:70,035,577, G deleted; the last of 4 consecutive G bases (chrX:70,035,574-70,035,577); deleting any one gives the same sequence. VCF-style (leftmost placement, unchanged base first): chrX-70035573-TG-T. GRCh37 (hg19) VCF-style: chrX-69255423-TG-T.
Other names: c.1138del, p.Ala380fs (NM_001005609.2); c.1129del, p.Ala377fs (NM_001005612.3); short protein forms A380fs, A382fs, A377fs.
Identifiers: ClinVar variation 2024544 (VCV002024544.4), dbSNP rs2520347360, ClinGen allele CA2580101304.
Genomic context (GRCh38, chrX:70,035,573, plus strand): 5'-CGCCGTCAAGATGGTGCACGCTGACATCTCCATCAACATGAGCAAGCACACCACGTTCTT[TG>T]GGGCCATCAGGCTGGGTGAAGCCCCTGCATCCTAGATTCCCCCCATTTTGCCTCTGTCCG-3'

ClinVar aggregate classification (germline): Pathogenic (1 of 4 stars; one submission).

Conditions:
Hypohidrotic X-linked ectodermal dysplasia (XHED). Also called: Ectodermal Dysplasia 1, Anhidrotic; Anhidrotic ectodermal dysplasia X-linked; Christ Siemens Touraine syndrome; ECTODERMAL DYSPLASIA 1, HYPOHIDROTIC, X-LINKED; ECTODERMAL DYSPLASIA 1, HYPOHIDROTIC/HAIR/TOOTH TYPE, X-LINKED; Christ-Siemans-Touraine syndrome. Identifiers: Orphanet 181, Orphanet 238468, MedGen C0162359, MONDO:0010585, OMIM 305100.

Submission:

Labcorp Genetics (formerly Invitae), Labcorp
Classification: Pathogenic for Hypohidrotic X-linked ectodermal dysplasia. Last evaluated: 2022-09-30. Review status: criteria provided, single submitter. Criteria: Invitae Variant Classification Sherloc (09022015). Collection method: clinical testing. Allele origin: germline.
Comment: For these reasons, this variant has been classified as Pathogenic. This variant disrupts a region of the EDA protein in which other variant(s) (p.Arg384Ser) have been determined to be pathogenic (PMID: 25333067; Invitae). This suggests that this is a clinically significant region of the protein, and that variants that disrupt it are likely to be disease-causing. This variant has not been reported in the literature in individuals affected with EDA-related conditions. This variant is not present in population databases (gnomAD no frequency). This sequence change results in a frameshift in the EDA gene (p.Ala382Profs*34). While this is not anticipated to result in nonsense mediated decay, it is expected to disrupt the last 10 amino acid(s) of the EDA protein and extend the protein by 23 additional amino acid residues.

Literature cited by the submitters: PubMed 25333067.